The following is an entry in ClinVar:

ClinVar aggregate classification (germline): Uncertain significance. Review status: criteria provided, multiple submitters, no conflicts (2 of 4 stars). 2 submissions from 2 submitters: Uncertain significance (2). Last evaluated 2025-01-15.

Conditions:
Focal segmental glomerulosclerosis 3, susceptibility to (FSGS3). Identifiers: Orphanet 656, MedGen C1842982, MONDO:0011917, OMIM 607832.

Allele frequency attached by ClinVar (database versions not stated): ExAC 0.00003; gnomAD 0.00004; TOPMed 0.00005; gnomAD exomes 0.00006.
gnomAD v4.1: 21 of 1,600,598 alleles (0.0013%); highest among the groups gnomAD compares: Admixed American, 0.023%; no homozygotes.

Submissions (2):

Labcorp Genetics (formerly Invitae), Labcorp
Classification: Uncertain significance. Last evaluated: 2025-01-15. Review status: criteria provided, single submitter. Criteria: Invitae Variant Classification Sherloc (09022015). Collection method: clinical testing. Allele origin: germline.
Comment: This sequence change replaces proline, which is neutral and non-polar, with serine, which is neutral and polar, at codon 244 of the CD2AP protein (p.Pro244Ser). This variant is present in population databases (rs757507978, gnomAD 0.03%). This variant has not been reported in the literature in individuals affected with CD2AP-related conditions. ClinVar contains an entry for this variant (Variation ID: 847282). An algorithm developed to predict the effect of missense changes on protein structure and function (PolyPhen-2) suggests that this variant is likely to be tolerated. In summary, the available evidence is currently insufficient to determine the role of this variant in disease. Therefore, it has been classified as a Variant of Uncertain Significance.

Fulgent Genetics
Classification: Uncertain significance for Focal segmental glomerulosclerosis 3, susceptibility to. Last evaluated: 2021-11-11. Review status: criteria provided, single submitter. Criteria: ACMG Guidelines, 2015. Collection method: clinical testing. Allele origin: unknown.

NM_012120.3(CD2AP):c.730C>T (p.Pro244Ser)

Gene: CD2AP (CD2 associated protein; plus strand). Cytogenetic location: 6p12.3.
Variant type: single nucleotide variant.
Coding change: c.730C>T on transcript NM_012120.3 (MANE Select); coding-DNA position 730, C replaced by T.
Protein change: p.Pro244Ser; replaces proline 244 with serine.
Molecular consequence: missense variant.
Genome position (GRCh38, 1-based): chr6:47,576,524, C>T. VCF-style: chr6-47576524-C-T. GRCh37 (hg19) VCF-style: chr6-47544260-C-T.
Other names: short protein forms P244S.
Identifiers: ClinVar variation 847282 (VCV000847282.12), dbSNP rs757507978, ClinGen allele CA3844084.